The following is an entry in ClinVar:

NM_002528.7(NTHL1):c.845G>C (p.Cys282Ser)

Gene: NTHL1 (nth like DNA glycosylase 1; minus strand). Cytogenetic location: 16p13.3.
Variant type: single nucleotide variant.
Coding change: c.845G>C on transcript NM_002528.7 (MANE Select); coding-DNA position 845, G replaced by C.
Protein change: p.Cys282Ser; replaces cysteine 282 with serine.
Molecular consequence: missense variant.
Genome position (GRCh38, 1-based): chr16:2,039,994, C>G on the plus strand (G>C on the coding strand, the complement: NTHL1 is on the minus strand). VCF-style: chr16-2039994-C-G. GRCh37 (hg19) VCF-style: chr16-2089995-C-G.
Other names: c.674G>C, p.Cys225Ser (NM_001318193.2); c.515G>C, p.Cys172Ser (NM_001318194.2); short protein forms C282S, C172S, C225S.
Identifiers: ClinVar variation 3881360 (VCV003881360.2).
Genomic context (GRCh38, chr16:2,039,994, plus strand): 5'-TGGGCGGCCGGGCAGAGGGCTTGGTTGAGGCAGGCGTGGCAGCGAGGGTGCACAGGCAGA[C>G]AGGTCTGCTGGCCGAAGCCCACCAAGAGTCCATTGATCTCGTGCCACAGCTCCCTGTGGG-3'
Protein context (NP_002519.2, residues 272-292): GLLVGFGQQT[Cys282Ser]LPVHPRCHAC

ClinVar aggregate classification (germline): Uncertain significance. Review status: criteria provided, multiple submitters, no conflicts (2 of 4 stars). 2 submissions from 2 submitters: Uncertain significance (2). Last evaluated 2025-12-31.

Conditions:
Hereditary cancer-predisposing syndrome. Also called: Tumor predisposition; Neoplastic Syndromes, Hereditary; Hereditary Cancer Syndrome; Hereditary neoplastic syndrome. Identifiers: Orphanet 140162, MedGen C0027672, MeSH D009386, MONDO:0015356.

Submissions (2):

Labcorp Genetics (formerly Invitae), Labcorp
Classification: Uncertain significance. Last evaluated: 2025-12-31. Review status: criteria provided, single submitter. Criteria: Invitae Variant Classification Sherloc (09022015). Collection method: clinical testing. Allele origin: germline.
Comment: This sequence change replaces cysteine, which is neutral and slightly polar, with serine, which is neutral and polar, at codon 290 of the NTHL1 protein (p.Cys290Ser). This variant is not present in population databases (gnomAD no frequency). This variant has not been reported in the literature in individuals affected with NTHL1-related conditions. ClinVar contains an entry for this variant (Variation ID: 3881360). An algorithm developed to predict the effect of missense changes on protein structure and function (PolyPhen-2) suggests that this variant is likely to be disruptive. In summary, the available evidence is currently insufficient to determine the role of this variant in disease. Therefore, it has been classified as a Variant of Uncertain Significance.

Ambry Genetics
Classification: Uncertain significance for Hereditary cancer-predisposing syndrome. Last evaluated: 2025-02-03. Review status: criteria provided, single submitter. Criteria: Ambry Variant Classification Scheme 2023. Collection method: clinical testing. Allele origin: germline.
Comment: The p.C290S variant (also known as c.869G>C), located in coding exon 6 of the NTHL1 gene, results from a G to C substitution at nucleotide position 869. The cysteine at codon 290 is replaced by serine, an amino acid with dissimilar properties. This amino acid position is conserved. In addition, this alteration is predicted to be deleterious by in silico analysis. Based on the available evidence, the clinical significance of this variant remains unclear.